The following is an entry in ClinVar:

ClinVar aggregate classification (germline): Likely pathogenic (1 of 4 stars; one submission).

Submission:

Mayo Clinic Laboratories, Mayo Clinic
Classification: Likely pathogenic. Last evaluated: 2025-01-03. Review status: criteria provided, single submitter. Criteria: ACMG Guidelines, 2015. Collection method: clinical testing. Allele origin: germline. Observed: 1 variant allele.
Comment: PM2_supporting, PVS1

Literature cited by the submitters: PubMed 30939045.

NM_000384.3(APOB):c.1470+1G>T

Gene: APOB (apolipoprotein B; minus strand). Cytogenetic location: 2p24.1.
Variant type: single nucleotide variant.
Coding change: c.1470+1G>T on transcript NM_000384.3 (MANE Select); the canonical splice donor site of the intron after coding-DNA position 1470, G replaced by T.
Molecular consequence: splice donor variant.
Genome position (GRCh38, 1-based): chr2:21,029,897, C>A on the plus strand (G>T on the coding strand, the complement: APOB is on the minus strand). VCF-style: chr2-21029897-C-A. GRCh37 (hg19) VCF-style: chr2-21252769-C-A.
Other names: p.?.
Identifiers: ClinVar variation 4542538 (VCV004542538.1).